The following is an entry in ClinVar:

NM_002439.5(MSH3):c.1934del (p.Leu645fs)

Gene: MSH3 (mutS homolog 3; plus strand). Cytogenetic location: 5q14.1.
Variant type: Deletion.
Coding change: c.1934del on transcript NM_002439.5 (MANE Select); coding-DNA position 1934, one base deleted (T; older notation c.1934delT).
Protein change: p.Leu645fs; shifts the reading frame from leucine 645.
Molecular consequence: frameshift variant.
Genome position (GRCh38, 1-based): chr5:80,767,970, T deleted; the last of 3 consecutive T bases (chr5:80,767,968-80,767,970); deleting any one gives the same sequence. VCF-style (leftmost placement, unchanged base first): chr5-80767967-CT-C. GRCh37 (hg19) VCF-style: chr5-80063786-CT-C.
Other names: c.1934delT (NM_002439.3); short protein forms L645fs.
Identifiers: ClinVar variation 2089180 (VCV002089180.6), dbSNP rs2546773572, ClinGen allele CA2580073577.

ClinVar aggregate classification (germline): Pathogenic. Review status: criteria provided, multiple submitters, no conflicts (2 of 4 stars). 3 submissions from 3 submitters: Pathogenic (3). Last evaluated 2026-03-02.

Conditions:
Hereditary cancer-predisposing syndrome. Also called: Hereditary neoplastic syndrome; Neoplastic Syndromes, Hereditary; Tumor predisposition; Hereditary Cancer Syndrome. Identifiers: Orphanet 140162, MedGen C0027672, MeSH D009386, MONDO:0015356.
Familial adenomatous polyposis 4 (FAP4). Also called: MSH3-related attenuated familial adenomatous polyposis. Identifiers: Orphanet 480536, MedGen C4310719, MONDO:0044300, OMIM 617100.

Submissions (3):

Ambry Genetics
Classification: Pathogenic for Hereditary cancer-predisposing syndrome. Last evaluated: 2026-03-02. Review status: criteria provided, single submitter. Criteria: Ambry Variant Classification Scheme 2023. Collection method: clinical testing. Allele origin: germline.
Comment: The c.1934delT pathogenic mutation, located in coding exon 14 of the MSH3 gene, results from a deletion of one nucleotide at nucleotide position 1934, causing a translational frameshift with a predicted alternate stop codon (p.L645Yfs*4). This variant is considered to be rare based on population cohorts in the Genome Aggregation Database (gnomAD). This alteration is expected to result in loss of function by premature protein truncation or nonsense-mediated mRNA decay. As such, this alteration is interpreted as a disease-causing mutation.

Myriad Genetics, Inc.
Classification: Pathogenic for Familial adenomatous polyposis 4. Last evaluated: 2026-01-06. Review status: criteria provided, single submitter. Criteria: Myriad Autosomal Dominant, Autosomal Recessive and X-Linked Classification Criteria (2023). Collection method: clinical testing. Allele origin: unknown.
Comment: This variant is considered pathogenic. This variant creates a frameshift predicted to result in premature protein truncation.

Labcorp Genetics (formerly Invitae), Labcorp
Classification: Pathogenic. Last evaluated: 2024-04-05. Review status: criteria provided, single submitter. Criteria: Invitae Variant Classification Sherloc (09022015). Collection method: clinical testing. Allele origin: germline.
Comment: This sequence change creates a premature translational stop signal (p.Leu645Tyrfs*4) in the MSH3 gene. It is expected to result in an absent or disrupted protein product. Loss-of-function variants in MSH3 are known to be pathogenic (PMID: 27476653, 37402566). This variant is not present in population databases (gnomAD no frequency). This variant has not been reported in the literature in individuals affected with MSH3-related conditions. ClinVar contains an entry for this variant (Variation ID: 2089180). For these reasons, this variant has been classified as Pathogenic.

Literature cited by the submitters: PubMed 27476653 (cited by Labcorp Genetics (formerly Invitae), Labcorp); PubMed 37402566 (cited by Labcorp Genetics (formerly Invitae), Labcorp).